The following is an entry in ClinVar:

ClinVar aggregate classification (germline): Uncertain significance (1 of 4 stars; one submission).

Submission:

Labcorp Genetics (formerly Invitae), Labcorp
Classification: Uncertain significance. Last evaluated: 2023-01-13. Review status: criteria provided, single submitter. Criteria: Invitae Variant Classification Sherloc (09022015). Collection method: clinical testing. Allele origin: germline.
Comment: In summary, the available evidence is currently insufficient to determine the role of this variant in disease. Therefore, it has been classified as a Variant of Uncertain Significance. This sequence change replaces valine, which is neutral and non-polar, with glycine, which is neutral and non-polar, at codon 583 of the CTNNA1 protein (p.Val583Gly). This variant is not present in population databases (gnomAD no frequency). This variant has not been reported in the literature in individuals affected with CTNNA1-related conditions. ClinVar contains an entry for this variant (Variation ID: 843097). Algorithms developed to predict the effect of missense changes on protein structure and function (SIFT, PolyPhen-2, Align-GVGD) all suggest that this variant is likely to be tolerated.

NM_001903.5(CTNNA1):c.1748T>G (p.Val583Gly)

Gene: CTNNA1 (catenin alpha 1; plus strand). Cytogenetic location: 5q31.2.
Variant type: single nucleotide variant.
Coding change: c.1748T>G on transcript NM_001903.5 (MANE Select); coding-DNA position 1748, T replaced by G.
Protein change: p.Val583Gly; replaces valine 583 with glycine.
Molecular consequence: missense variant.
Genome position (GRCh38, 1-based): chr5:138,925,256, T>G. VCF-style: chr5-138925256-T-G. GRCh37 (hg19) VCF-style: chr5-138260945-T-G.
Other names: c.1748T>G, p.Val583Gly (NM_001290307.3, NM_001323982.2, NM_001323983.1 and 2 more transcripts); c.1439T>G, p.Val480Gly (NM_001290309.3); c.1379T>G, p.Val460Gly (NM_001290310.3); c.638T>G, p.Val213Gly (NM_001290312.1, NM_001323987.1, NM_001323988.1 and 17 more transcripts); c.1655T>G, p.Val552Gly (NM_001323986.2); c.299T>G, p.Val100Gly (NM_001324006.1, NM_001324007.1, NM_001324008.1 and 2 more transcripts); c.545T>G, p.Val182Gly (NM_001324011.1); c.395T>G, p.Val132Gly (NM_001324012.1, NM_001324013.1); short protein forms V100G, V213G, V460G, V552G, V132G, V182G, V480G, V583G.
Identifiers: ClinVar variation 843097 (VCV000843097.9), dbSNP rs1763763066, ClinGen allele CA361132121.
Genomic context (GRCh38, chr5:138,925,256, plus strand): 5'-GGGCCAGGGGAATGATGCTGCCTGCTGACCAGGGTATCTACTGTGCCTCTTTCTCCACAG[T>G]CATGCCACGTTTTACTGAGCAAGTAGAAGCAGCCGTGGAAGCCCTCAGCTCGGACCCTGC-3'
Protein context (NP_001894.2, residues 573-593): LEATKLLSNT[Val583Gly]MPRFTEQVEA